The following is an entry in ClinVar:

ClinVar aggregate classification (germline): Uncertain significance. Review status: criteria provided, multiple submitters, no conflicts (2 of 4 stars). 2 submissions from 2 submitters: Uncertain significance (2). Last evaluated 2023-06-20.

Allele frequency attached by ClinVar (database versions not stated): TOPMed below 0.00001; gnomAD 0.00001; ExAC 0.00002; ESP Exome Variant Server 0.00008.
gnomAD v4.1: 16 of 1,612,336 alleles (0.00099%); highest among the groups gnomAD compares: Non-Finnish European, 0.0013%; no homozygotes.

Submissions (2):

Labcorp Genetics (formerly Invitae), Labcorp
Classification: Uncertain significance. Last evaluated: 2023-06-20. Review status: criteria provided, single submitter. Criteria: Invitae Variant Classification Sherloc (09022015). Collection method: clinical testing. Allele origin: germline.
Comment: This sequence change replaces isoleucine, which is neutral and non-polar, with methionine, which is neutral and non-polar, at codon 464 of the DNA2 protein (p.Ile464Met). This variant is present in population databases (rs374387690, gnomAD 0.002%). This variant has not been reported in the literature in individuals affected with DNA2-related conditions. ClinVar contains an entry for this variant (Variation ID: 1176874). Advanced modeling of protein sequence and biophysical properties (such as structural, functional, and spatial information, amino acid conservation, physicochemical variation, residue mobility, and thermodynamic stability) performed at Invitae indicates that this missense variant is not expected to disrupt DNA2 protein function. In summary, the available evidence is currently insufficient to determine the role of this variant in disease. Therefore, it has been classified as a Variant of Uncertain Significance.

CeGaT Center for Human Genetics Tuebingen
Classification: Uncertain significance. Last evaluated: 2021-06-01. Review status: criteria provided, single submitter. Criteria: CeGaT Center For Human Genetics Tuebingen Variant Classification Criteria Version 2. Collection method: clinical testing. Allele origin: germline. Affected: yes. Observed: 1 variant allele.

NM_001080449.3(DNA2):c.1392C>G (p.Ile464Met)

Gene: DNA2 (DNA replication helicase/nuclease 2; minus strand). Cytogenetic location: 10q21.3.
Variant type: single nucleotide variant.
Coding change: c.1392C>G on transcript NM_001080449.3 (MANE Select); coding-DNA position 1392, C replaced by G.
Protein change: p.Ile464Met; replaces isoleucine 464 with methionine.
Molecular consequence: missense variant. On other transcripts: non-coding transcript variant (1).
Genome position (GRCh38, 1-based): chr10:68,442,940, G>C on the plus strand (C>G on the coding strand, the complement: DNA2 is on the minus strand). VCF-style: chr10-68442940-G-C. GRCh37 (hg19) VCF-style: chr10-70202697-G-C.
Other names: short protein forms I464M.
Identifiers: ClinVar variation 1176874 (VCV001176874.42), dbSNP rs374387690, ClinGen allele CA5525088.